The following is an entry in ClinVar:

NM_001386140.1(MTTP):c.2354T>C (p.Val785Ala)

Gene: MTTP (microsomal triglyceride transfer protein; plus strand). Cytogenetic location: 4q23.
Variant type: single nucleotide variant.
Coding change: c.2354T>C on transcript NM_001386140.1 (MANE Select); coding-DNA position 2354, T replaced by C.
Protein change: p.Val785Ala; replaces valine 785 with alanine.
Molecular consequence: missense variant.
Genome position (GRCh38, 1-based): chr4:99,621,072, T>C. VCF-style: chr4-99621072-T-C. GRCh37 (hg19) VCF-style: chr4-100542229-T-C.
Other names: c.2354T>C, p.Val785Ala (NM_000253.4); c.2105T>C, p.Val702Ala (NM_001300785.2); short protein forms V702A, V785A.
Identifiers: ClinVar variation 1952607 (VCV001952607.5), dbSNP rs2476161620, ClinGen allele CA357519375.

ClinVar aggregate classification (germline): Uncertain significance (1 of 4 stars; one submission).

Submission:

Labcorp Genetics (formerly Invitae), Labcorp
Classification: Uncertain significance. Last evaluated: 2022-02-01. Review status: criteria provided, single submitter. Criteria: Invitae Variant Classification Sherloc (09022015). Collection method: clinical testing. Allele origin: germline.
Comment: In summary, the available evidence is currently insufficient to determine the role of this variant in disease. Therefore, it has been classified as a Variant of Uncertain Significance. Algorithms developed to predict the effect of missense changes on protein structure and function output the following: SIFT: "Tolerated"; PolyPhen-2: "Benign"; Align-GVGD: "Class C0". The alanine amino acid residue is found in multiple mammalian species, which suggests that this missense change does not adversely affect protein function. This variant has not been reported in the literature in individuals affected with MTTP-related conditions. This variant is not present in population databases (gnomAD no frequency). This sequence change replaces valine, which is neutral and non-polar, with alanine, which is neutral and non-polar, at codon 785 of the MTTP protein (p.Val785Ala).